The following is an entry in ClinVar:

NM_001903.5(CTNNA1):c.386G>A (p.Arg129Gln)

Gene: CTNNA1 (catenin alpha 1; plus strand). Cytogenetic location: 5q31.2.
Variant type: single nucleotide variant.
Coding change: c.386G>A on transcript NM_001903.5 (MANE Select); coding-DNA position 386, G replaced by A.
Protein change: p.Arg129Gln; replaces arginine 129 with glutamine.
Molecular consequence: missense variant.
Genome position (GRCh38, 1-based): chr5:138,810,122, G>A. VCF-style: chr5-138810122-G-A. GRCh37 (hg19) VCF-style: chr5-138145811-G-A.
Other names: c.386G>A, p.Arg129Gln (NM_001290307.3, NM_001323982.2, NM_001323983.1 and 3 more transcripts); c.77G>A, p.Arg26Gln (NM_001290309.3); c.17G>A, p.Arg6Gln (NM_001290310.3); short protein forms R26Q, R6Q, R129Q.
Identifiers: ClinVar variation 842561 (VCV000842561.13), dbSNP rs1758522652, ClinGen allele CA361123157.

ClinVar aggregate classification (germline): Uncertain significance. Review status: criteria provided, multiple submitters, no conflicts (2 of 4 stars). 2 submissions from 2 submitters: Uncertain significance (2). Last evaluated 2026-03-23.

Conditions:
Hereditary cancer-predisposing syndrome. Also called: Tumor predisposition; Neoplastic Syndromes, Hereditary; Hereditary neoplastic syndrome; Hereditary Cancer Syndrome. Identifiers: Orphanet 140162, MedGen C0027672, MeSH D009386, MONDO:0015356.

Allele frequency attached by ClinVar (database versions not stated): gnomAD exomes 0.00001.

Submissions (2):

Ambry Genetics
Classification: Uncertain significance for Hereditary cancer-predisposing syndrome. Last evaluated: 2026-03-23. Review status: criteria provided, single submitter. Criteria: Ambry Variant Classification Scheme 2023. Collection method: clinical testing. Allele origin: germline.

Labcorp Genetics (formerly Invitae), Labcorp
Classification: Uncertain significance. Last evaluated: 2025-10-27. Review status: criteria provided, single submitter. Criteria: Invitae Variant Classification Sherloc (09022015). Collection method: clinical testing. Allele origin: germline.
Comment: This sequence change replaces arginine, which is basic and polar, with glutamine, which is neutral and polar, at codon 129 of the CTNNA1 protein (p.Arg129Gln). This variant is not present in population databases (gnomAD no frequency). This variant has not been reported in the literature in individuals affected with CTNNA1-related conditions. ClinVar contains an entry for this variant (Variation ID: 842561). Invitae Evidence Modeling of protein sequence and biophysical properties (such as structural, functional, and spatial information, amino acid conservation, physicochemical variation, residue mobility, and thermodynamic stability) has been performed for this missense variant. However, the output from this modeling did not meet the statistical confidence thresholds required to predict the impact of this variant on CTNNA1 protein function. In summary, the available evidence is currently insufficient to determine the role of this variant in disease. Therefore, it has been classified as a Variant of Uncertain Significance.